The following is an entry in ClinVar:

NM_000260.4(MYO7A):c.5170C>A (p.Pro1724Thr)

Gene: MYO7A (myosin VIIA; plus strand). Cytogenetic location: 11q13.5.
Variant type: single nucleotide variant.
Coding change: c.5170C>A on transcript NM_000260.4 (MANE Select); coding-DNA position 5170, C replaced by A.
Protein change: p.Pro1724Thr; replaces proline 1724 with threonine.
Molecular consequence: missense variant.
Genome position (GRCh38, 1-based): chr11:77,203,061, C>A. VCF-style: chr11-77203061-C-A. GRCh37 (hg19) VCF-style: chr11-76914106-C-A.
Other names: c.5056C>A, p.Pro1686Thr (NM_001127180.2); c.5023C>A, p.Pro1675Thr (NM_001369365.1); short protein forms P1675T, P1686T, P1724T.
Identifiers: ClinVar variation 2048056 (VCV002048056.4), dbSNP rs762086113, ClinGen allele CA381951965.

ClinVar aggregate classification (germline): Uncertain significance (1 of 4 stars; one submission).

Allele frequency attached by ClinVar (database versions not stated): gnomAD 0.00001.
gnomAD v4.1: 2 of 1,547,362 alleles (0.00013%); highest among the groups gnomAD compares: Admixed American, 0.002%; no homozygotes.

Submission:

Labcorp Genetics (formerly Invitae), Labcorp
Classification: Uncertain significance. Last evaluated: 2024-01-19. Review status: criteria provided, single submitter. Criteria: Invitae Variant Classification Sherloc (09022015). Collection method: clinical testing. Allele origin: germline.
Comment: This sequence change replaces proline, which is neutral and non-polar, with threonine, which is neutral and polar, at codon 1724 of the MYO7A protein (p.Pro1724Thr). The frequency data for this variant in the population databases is considered unreliable, as metrics indicate poor data quality at this position in the gnomAD database. This variant has not been reported in the literature in individuals affected with MYO7A-related conditions. ClinVar contains an entry for this variant (Variation ID: 2048056). An algorithm developed to predict the effect of missense changes on protein structure and function (PolyPhen-2) suggests that this variant is likely to be disruptive. In summary, the available evidence is currently insufficient to determine the role of this variant in disease. Therefore, it has been classified as a Variant of Uncertain Significance.